The following is an entry in ClinVar:

NM_004341.5(CAD):c.5828T>G (p.Val1943Gly)

Gene: CAD (carbamoyl-phosphate synthetase 2, aspartate transcarbamylase, and dihydroorotase; plus strand). Cytogenetic location: 2p23.3.
Variant type: single nucleotide variant.
Coding change: c.5828T>G on transcript NM_004341.5 (MANE Select); coding-DNA position 5828, T replaced by G.
Protein change: p.Val1943Gly; replaces valine 1943 with glycine.
Molecular consequence: missense variant.
Genome position (GRCh38, 1-based): chr2:27,241,341, T>G. VCF-style: chr2-27241341-T-G. GRCh37 (hg19) VCF-style: chr2-27464209-T-G.
Other names: c.5639T>G, p.Val1880Gly (NM_001306079.2); short protein forms V1880G, V1943G.
Identifiers: ClinVar variation 3367114 (VCV003367114.1).

ClinVar aggregate classification (germline): Uncertain significance (1 of 4 stars; one submission).

Conditions:
Developmental and epileptic encephalopathy, 50 (DEE50). Also called: Epileptic encephalopathy, early infantile, 50. Identifiers: Orphanet 448010, MedGen C4225320, MONDO:0014647, OMIM 616457.

gnomAD v4.1: 10 of 1,614,058 alleles (0.00062%); highest among the groups gnomAD compares: South Asian, 0.011%; no homozygotes.

Submission:

Neuberg Centre For Genomic Medicine, NCGM
Classification: Uncertain significance for Developmental and epileptic encephalopathy, 50. Last evaluated: 2023-05-20. Review status: criteria provided, single submitter. Criteria: ACMG Guidelines, 2015. Collection method: clinical testing. Allele origin: germline. Inheritance: Autosomal recessive inheritance. Affected: yes.
Comment: The observed missense c.5828T>G(p.Val1943Gly) variant in CAD gene has not been reported previously as a pathogenic variant nor as a benign variant, to our knowledge. This variant is present with an allele frequency of 0.0004% in gnomAD Exomes database. This variant has not been submitted to the ClinVar database. Multiple lines of computational evidence (Polyphen - probably damaging, SIFT - damaging, and MutationTaster - disease causing) predict a damaging effect on protein structure and function for this variant. The amino acid change p.Val1943Gly in CAD is predicted as conserved by GERP++ and PhyloP across 100 vertebrates. The amino acid Val at position 1943 is changed to a Gly changing protein sequence and it might alter its composition and physico-chemical properties. For these reasons, this variant has been classified as Variant of Uncertain Significance (VUS).